The following is an entry in ClinVar:

ClinVar aggregate classification (germline): Uncertain significance (1 of 4 stars; one submission).

Conditions:
Glycogen storage disease, type II (IOPD). Also called: Glucosidase acid-1,4-alpha deficiency; Pompe Disease; GLYCOGENOSIS, GENERALIZED, CARDIAC FORM; GSD II; POMPE DISEASE, INFANTILE-ONSET; GLYCOGEN STORAGE DISEASE II, INFANTILE-ONSET. Identifiers: Orphanet 365, MedGen C0017921, MONDO:0009290, OMIM 232300.

Allele frequency attached by ClinVar (database versions not stated): TOPMed below 0.00001; gnomAD 0.00001.
gnomAD v4.1: 1 of 1,613,682 alleles (0.000062%); highest among the groups gnomAD compares: South Asian, 0.0011%; no homozygotes.

Submission:

Labcorp Genetics (formerly Invitae), Labcorp
Classification: Uncertain significance for Glycogen storage disease, type II. Last evaluated: 2024-07-22. Review status: criteria provided, single submitter. Criteria: Invitae Variant Classification Sherloc (09022015). Collection method: clinical testing. Allele origin: germline.
Comment: This sequence change replaces asparagine, which is neutral and polar, with aspartic acid, which is acidic and polar, at codon 536 of the GAA protein (p.Asn536Asp). This variant is not present in population databases (gnomAD no frequency). This variant has not been reported in the literature in individuals affected with GAA-related conditions. ClinVar contains an entry for this variant (Variation ID: 1443347). Advanced modeling of protein sequence and biophysical properties (such as structural, functional, and spatial information, amino acid conservation, physicochemical variation, residue mobility, and thermodynamic stability) performed at Invitae indicates that this missense variant is not expected to disrupt GAA protein function with a negative predictive value of 95%. In summary, the available evidence is currently insufficient to determine the role of this variant in disease. Therefore, it has been classified as a Variant of Uncertain Significance.

NM_000152.5(GAA):c.1606A>G (p.Asn536Asp)

Gene: GAA (alpha glucosidase; plus strand). Cytogenetic location: 17q25.3.
Variant type: single nucleotide variant.
Coding change: c.1606A>G on transcript NM_000152.5 (MANE Select); coding-DNA position 1606, A replaced by G.
Protein change: p.Asn536Asp; replaces asparagine 536 with aspartic acid.
Molecular consequence: missense variant.
Genome position (GRCh38, 1-based): chr17:80,110,995, A>G. VCF-style: chr17-80110995-A-G. GRCh37 (hg19) VCF-style: chr17-78084794-A-G.
Other names: c.1606A>G, p.Asn536Asp (NM_001079803.3, NM_001079804.3); short protein forms N536D.
Identifiers: ClinVar variation 1443347 (VCV001443347.8), dbSNP rs2039224225, ClinGen allele CA401367302.
Genomic context (GRCh38, chr17:80,110,995, plus strand): 5'-TTGCAGGACATGAACGAGCCTTCCAACTTCATCAGGGGCTCTGAGGACGGCTGCCCCAAC[A>G]ATGAGCTGGAGAACCCACCCTACGTGCCTGGTCAGCTCGCCCCCCACCTACCCTGGGGAC-3'
Protein context (NP_000143.2, residues 526-546): IRGSEDGCPN[Asn536Asp]ELENPPYVPG